The following is an entry in ClinVar:

NM_170707.4(LMNA):c.130G>T (p.Val44Phe)

Gene: LMNA (lamin A/C; plus strand). Cytogenetic location: 1q22.
Variant type: single nucleotide variant.
Coding change: c.130G>T on transcript NM_170707.4 (MANE Select); coding-DNA position 130, G replaced by T.
Protein change: p.Val44Phe; replaces valine 44 with phenylalanine.
Molecular consequence: missense variant.
Genome position (GRCh38, 1-based): chr1:156,115,048, G>T. VCF-style: chr1-156115048-G-T. GRCh37 (hg19) VCF-style: chr1-156084839-G-T.
Other names: c.130G>T, p.Val44Phe (NM_001282625.2, NM_001282626.2, NM_005572.4 and 1 more transcripts); short protein forms V44F.
Identifiers: ClinVar variation 374201 (VCV000374201.9), dbSNP rs1057518971, ClinGen allele CA16043361.
Genomic context (GRCh38, chr1:156,115,048, plus strand): 5'-ACCCGCATCACCCGGCTGCAGGAGAAGGAGGACCTGCAGGAGCTCAATGATCGCTTGGCG[G>T]TCTACATCGACCGTGTGCGCTCGCTGGAAACGGAGAACGCAGGGCTGCGCCTTCGCATCA-3'
Protein context (NP_733821.1, residues 34-54): DLQELNDRLA[Val44Phe]YIDRVRSLET

ClinVar aggregate classification (germline): Conflicting classifications of pathogenicity. Review status: criteria provided, conflicting classifications (1 of 4 stars). 2 submissions from 2 submitters: Likely pathogenic (1); Uncertain significance (1). Last evaluated 2020-11-11.

Conditions:
Congenital muscular dystrophy. Identifiers: Orphanet 97242, MedGen C0699743, MONDO:0019950. Disease mechanism: loss of function.
Charcot-Marie-Tooth disease type 2. Also called: Charcot-Marie-Tooth type 2. Identifiers: Orphanet 64746, MedGen C0270914, MONDO:0018993.

Submissions (2):

Labcorp Genetics (formerly Invitae), Labcorp
Classification: Uncertain significance for Charcot-Marie-Tooth disease type 2. Last evaluated: 2020-11-11. Review status: criteria provided, single submitter. Criteria: Invitae Variant Classification Sherloc (09022015). Collection method: clinical testing. Allele origin: germline.
Comment: This sequence change replaces valine with phenylalanine at codon 44 of the LMNA protein (p.Val44Phe). The valine residue is highly conserved and there is a small physicochemical difference between valine and phenylalanine. This variant is not present in population databases (ExAC no frequency). This variant has been observed in individual(s) with Emery-Dreifuss muscular dystrophy (Invitae). ClinVar contains an entry for this variant (Variation ID: 374201). Algorithms developed to predict the effect of missense changes on protein structure and function (SIFT, PolyPhen-2, Align-GVGD) all suggest that this variant is likely to be disruptive, but these predictions have not been confirmed by published functional studies and their clinical significance is uncertain. In summary, the available evidence is currently insufficient to determine the role of this variant in disease. Therefore, it has been classified as a Variant of Uncertain Significance.

Centre for Mendelian Genomics, University Medical Centre Ljubljana
Classification: Likely pathogenic for Muscular dystrophy. Last evaluated: 2013-11-28. Review status: criteria provided, single submitter. Criteria: ACMG Guidelines, 2015. Collection method: clinical testing. Allele origin: unknown. Affected: yes.